The following is an entry in ClinVar:

NM_020884.7(MYH7B):c.2486A>G (p.Asn829Ser)

Gene: MYH7B (myosin heavy chain 7B; plus strand). Cytogenetic location: 20q11.22.
Variant type: single nucleotide variant.
Coding change: c.2486A>G on transcript NM_020884.7 (MANE Select); coding-DNA position 2486, A replaced by G.
Protein change: p.Asn829Ser; replaces asparagine 829 with serine.
Molecular consequence: missense variant.
Genome position (GRCh38, 1-based): chr20:34,994,187, A>G. VCF-style: chr20-34994187-A-G. GRCh37 (hg19) VCF-style: chr20-33581990-A-G.
Other names: c.2612A>G (NM_020884.3); short protein forms N829S.
Identifiers: ClinVar variation 1908659 (VCV001908659.6), dbSNP rs1372789477, ClinGen allele CA408706548.

ClinVar aggregate classification (germline): Uncertain significance. Review status: criteria provided, multiple submitters, no conflicts (2 of 4 stars). 2 submissions from 2 submitters: Uncertain significance (2). Last evaluated 2026-01-12.

Allele frequency attached by ClinVar (database versions not stated): TOPMed below 0.00001; gnomAD exomes 0.00001.
gnomAD v4.1: 10 of 1,613,412 alleles (0.00062%); highest among the groups gnomAD compares: Admixed American, 0.005%; no homozygotes.

Submissions (2):

Labcorp Genetics (formerly Invitae), Labcorp
Classification: Uncertain significance. Last evaluated: 2026-01-12. Review status: criteria provided, single submitter. Criteria: Invitae Variant Classification Sherloc (09022015). Collection method: clinical testing. Allele origin: germline.
Comment: This sequence change replaces asparagine, which is neutral and polar, with serine, which is neutral and polar, at codon 871 of the MYH7B protein (p.Asn871Ser). This variant is present in population databases (no rsID available, gnomAD 0.003%). This variant has not been reported in the literature in individuals affected with MYH7B-related conditions. ClinVar contains an entry for this variant (Variation ID: 1908659). Invitae Evidence Modeling of protein sequence and biophysical properties (such as structural, functional, and spatial information, amino acid conservation, physicochemical variation, residue mobility, and thermodynamic stability) indicates that this missense variant is not expected to disrupt MYH7B protein function with a negative predictive value of 80%. In summary, the available evidence is currently insufficient to determine the role of this variant in disease. Therefore, it has been classified as a Variant of Uncertain Significance.

Ambry Genetics
Classification: Uncertain significance. Last evaluated: 2025-08-20. Review status: criteria provided, single submitter. Criteria: Ambry Variant Classification Scheme 2023. Collection method: clinical testing. Allele origin: germline.